The following is an entry in ClinVar:

NM_001620.3(AHNAK):c.14490A>G (p.Ala4830=)

Gene: AHNAK (AHNAK nucleoprotein; minus strand). Cytogenetic location: 11q12.3.
Variant type: single nucleotide variant.
Coding change: c.14490A>G on transcript NM_001620.3 (MANE Select); coding-DNA position 14490, A replaced by G.
Protein change: p.Ala4830=; no amino-acid change (alanine 4830 retained).
Molecular consequence: synonymous variant. On other transcripts: intron variant (1).
Genome position (GRCh38, 1-based): chr11:62,519,927, T>C on the plus strand (A>G on the coding strand, the complement: AHNAK is on the minus strand). VCF-style: chr11-62519927-T-C. GRCh37 (hg19) VCF-style: chr11-62287399-T-C.
Other names: c.14490A>G, p.Ala4830= (NM_001346445.2, NM_001346446.2); c.342+15076A>G (NM_024060.4).
Identifiers: ClinVar variation 2641851 (VCV002641851.24), dbSNP rs1478061372, ClinGen allele CA475117614.

ClinVar aggregate classification (germline): Likely benign (1 of 4 stars; one submission).

Allele frequency attached by ClinVar (database versions not stated): 1000 Genomes Project 30x 0.00109.

Submission:

CeGaT Center for Human Genetics Tuebingen
Classification: Likely benign. Last evaluated: 2026-06-01. Review status: criteria provided, single submitter. Criteria: CeGaT Center For Human Genetics Tuebingen Variant Classification Criteria Version 2. Collection method: clinical testing. Allele origin: germline. Affected: yes. Observed: 9 variant alleles.
Comment: AHNAK: BP4, BP7